The following is an entry in ClinVar:

ClinVar aggregate classification (germline): Uncertain significance. Review status: criteria provided, multiple submitters, no conflicts (2 of 4 stars). 2 submissions from 2 submitters: Uncertain significance (2). Last evaluated 2025-03-09.

Conditions:
Inborn genetic diseases. Identifiers: MedGen C0950123, MeSH D030342.
Atrial standstill 1 (ATRST1). Also called: ATRIAL CARDIOMYOPATHY WITH HEART BLOCK; CARDIOMYOPATHY, FAMILIAL, WITH CONDUCTION DISTURBANCE; Atrial standstill, digenic (GJA5/SCN5A). Identifiers: Orphanet 1344, MedGen C4551959, MONDO:0007171, OMIM 108770.
Atrial fibrillation, familial, 11 (ATFB11). Identifiers: MedGen C3279693, MONDO:0013544, OMIM 614049.

Allele frequency attached by ClinVar (database versions not stated): gnomAD 0.00001; gnomAD exomes 0.00001; ExAC 0.00002; TOPMed 0.00002.
gnomAD v4.1: 18 of 1,614,076 alleles (0.0011%); highest among the groups gnomAD compares: East Asian, 0.036%; no homozygotes.

Submissions (2):

Labcorp Genetics (formerly Invitae), Labcorp
Classification: Uncertain significance for Atrial fibrillation, familial, 11; Atrial standstill 1. Last evaluated: 2025-03-09. Review status: criteria provided, single submitter. Criteria: Invitae Variant Classification Sherloc (09022015). Collection method: clinical testing. Allele origin: germline.
Comment: This sequence change replaces glutamine, which is neutral and polar, with proline, which is neutral and non-polar, at codon 259 of the GJA5 protein (p.Gln259Pro). This variant is present in population databases (rs782792159, gnomAD 0.02%). This variant has not been reported in the literature in individuals affected with GJA5-related conditions. ClinVar contains an entry for this variant (Variation ID: 1425162). Invitae Evidence Modeling of protein sequence and biophysical properties (such as structural, functional, and spatial information, amino acid conservation, physicochemical variation, residue mobility, and thermodynamic stability) indicates that this missense variant is not expected to disrupt GJA5 protein function with a negative predictive value of 80%. In summary, the available evidence is currently insufficient to determine the role of this variant in disease. Therefore, it has been classified as a Variant of Uncertain Significance.

Ambry Genetics
Classification: Uncertain significance for Inborn genetic diseases. Last evaluated: 2023-12-13. Review status: criteria provided, single submitter. Criteria: Ambry Variant Classification Scheme 2023. Collection method: clinical testing. Allele origin: germline.

NM_181703.4(GJA5):c.776A>C (p.Gln259Pro)

Genes: GJA5 (gap junction protein alpha 5; minus strand), LOC122128420 (Sharpr-MPRA regulatory region 3144; plus strand). Cytogenetic location: 1q21.2.
Variant type: single nucleotide variant.
Coding change: c.776A>C on transcript NM_181703.4 (MANE Select); coding-DNA position 776, A replaced by C.
Protein change: p.Gln259Pro; replaces glutamine 259 with proline.
Molecular consequence: missense variant.
Genome position (GRCh38, 1-based): chr1:147,758,463, T>G on the plus strand (A>C on the coding strand, the complement: GJA5 is on the minus strand). VCF-style: chr1-147758463-T-G. GRCh37 (hg19) VCF-style: chr1-147230571-T-G.
Other names: c.776A>C (NM_005266.5); c.776A>C, p.Gln259Pro (NM_005266.7); short protein forms Q259P.
Identifiers: ClinVar variation 1425162 (VCV001425162.7), dbSNP rs782792159, ClinGen allele CA1065710.